The following is an entry in ClinVar:

NM_201384.3(PLEC):c.9653G>A (p.Arg3218Gln)

Gene: PLEC (plectin; minus strand). Cytogenetic location: 8q24.3.
Variant type: single nucleotide variant.
Coding change: c.9653G>A on transcript NM_201384.3 (MANE Select); coding-DNA position 9653, G replaced by A.
Protein change: p.Arg3218Gln; replaces arginine 3218 with glutamine.
Molecular consequence: missense variant.
Genome position (GRCh38, 1-based): chr8:143,920,168, C>T on the plus strand (G>A on the coding strand, the complement: PLEC is on the minus strand). VCF-style: chr8-143920168-C-T. GRCh37 (hg19) VCF-style: chr8-144994336-C-T.
Other names: c.9734G>A, p.Arg3245Gln (NM_000445.5); c.9611G>A, p.Arg3204Gln (NM_201378.4); c.9587G>A, p.Arg3196Gln (NM_201379.3); c.10064G>A, p.Arg3355Gln (NM_201380.4); c.9557G>A, p.Arg3186Gln (NM_201381.3); c.9653G>A, p.Arg3218Gln (NM_201382.4); c.9665G>A, p.Arg3222Gln (NM_201383.3); c.9734G>A (NM_000445.3); short protein forms R3186Q, R3196Q, R3204Q, R3218Q, R3222Q, R3245Q, R3355Q.
Identifiers: ClinVar variation 500938 (VCV000500938.16), dbSNP rs1554680868, ClinGen allele CA372507505.

ClinVar aggregate classification (germline): Uncertain significance. Review status: criteria provided, multiple submitters, no conflicts (2 of 4 stars). 4 submissions from 4 submitters: Uncertain significance (4). Last evaluated 2025-05-05.

Conditions:
Inborn genetic diseases. Identifiers: MedGen C0950123, MeSH D030342.
Epidermolysis bullosa simplex 5B, with muscular dystrophy (EBS5B). Also called: EPIDERMOLYSIS BULLOSA SIMPLEX AND LIMB-GIRDLE MUSCULAR DYSTROPHY; Epidermolysis bullosa simplex with muscular dystrophy. Identifiers: Orphanet 257, MedGen C2931072, MONDO:0009181, OMIM 226670.
Epidermolysis bullosa simplex, Ogna type (EBS5A). Also called: Pidermolysis bullosa simplex 5A, Ogna type; EPIDERMOLYSIS BULLOSA SIMPLEX 5A, OGNA TYPE. Identifiers: Orphanet 79401, MedGen C0432317, MONDO:0007555, OMIM 131950.
Autosomal recessive limb-girdle muscular dystrophy type 2Q (LGMDR17). Also called: MUSCULAR DYSTROPHY, LIMB-GIRDLE, AUTOSOMAL RECESSIVE 17. Identifiers: Orphanet 254361, MedGen C3150989, MONDO:0013390, OMIM 613723.
Epidermolysis bullosa simplex 5C, with pyloric atresia (EBS5C). Also called: Epidermolysis bullosa simplex with pyloric atresia; PLEC1-Related Epidermolysis Bullosa with Pyloric Atresia; PLEC-Related Epidermolysis Bullosa with Pyloric Atresia. Identifiers: Orphanet 158684, MedGen C2677349, MONDO:0012807, OMIM 612138.
Epidermolysis bullosa simplex with nail dystrophy (EBS5D). Identifiers: MedGen C4225309, MONDO:0014661, OMIM 616487.

Allele frequency attached by ClinVar (database versions not stated): gnomAD 0.00001; TOPMed 0.00001.

Submissions (4):

Labcorp Genetics (formerly Invitae), Labcorp
Classification: Uncertain significance for Autosomal recessive limb-girdle muscular dystrophy type 2Q; Epidermolysis bullosa simplex, Ogna type; Epidermolysis bullosa simplex with nail dystrophy; Epidermolysis bullosa simplex 5C, with pyloric atresia; Epidermolysis bullosa simplex 5B, with muscular dystrophy. Last evaluated: 2025-05-05. Review status: criteria provided, single submitter. Criteria: Invitae Variant Classification Sherloc (09022015). Collection method: clinical testing. Allele origin: germline.
Comment: This sequence change replaces arginine, which is basic and polar, with glutamine, which is neutral and polar, at codon 3245 of the PLEC protein (p.Arg3245Gln). This variant is not present in population databases (gnomAD no frequency). This variant has not been reported in the literature in individuals affected with PLEC-related conditions. ClinVar contains an entry for this variant (Variation ID: 500938). An algorithm developed to predict the effect of missense changes on protein structure and function outputs the following: PolyPhen-2: "Benign". The glutamine amino acid residue is found in multiple mammalian species, which suggests that this missense change does not adversely affect protein function. In summary, the available evidence is currently insufficient to determine the role of this variant in disease. Therefore, it has been classified as a Variant of Uncertain Significance.

Ambry Genetics
Classification: Uncertain significance for Inborn genetic diseases. Last evaluated: 2024-07-22. Review status: criteria provided, single submitter. Criteria: Ambry Variant Classification Scheme 2023. Collection method: clinical testing. Allele origin: germline.

Revvity Omics, Revvity
Classification: Uncertain significance. Last evaluated: 2019-11-15. Review status: criteria provided, single submitter. Criteria: ACMG Guidelines, 2015. Collection method: clinical testing. Allele origin: germline.

Eurofins Ntd Llc (ga)
Classification: Uncertain significance. Last evaluated: 2017-03-23. Review status: criteria provided, single submitter. Criteria: EGL Classification Definitions 2015. Collection method: clinical testing. Allele origin: germline. Observed: 1 variant allele, 1 heterozygote.